The following is an entry in ClinVar:

ClinVar aggregate classification (germline): Uncertain significance. Review status: criteria provided, multiple submitters, no conflicts (2 of 4 stars). 3 submissions from 3 submitters: Uncertain significance (3). Last evaluated 2024-03-17.

Conditions:
RYR1-related disorder. Also called: RYR1-related disorders; RYR1-related condition. Identifiers: MedGen CN239331.
Congenital multicore myopathy with external ophthalmoplegia (CMYO1B). Also called: MULTICORE MYOPATHY; MULTIMINICORE DISEASE WITH EXTERNAL OPHTHALMOPLEGIA; Congenital myopathy 1B, autosomal recessive; Minicore myopathy; Minicore myopathy with external ophthalmoplegia. Identifiers: Orphanet 598, Orphanet 98905, MedGen C1850674, MONDO:0009712, OMIM 255320, HP:0003789.
Congenital myopathy with fiber type disproportion. Also called: Congenital fiber-type disproportion myopathy; Congenital fiber-type disproportion. Identifiers: Orphanet 2020, MedGen C0546264, MONDO:0009711. Inheritance: all.
Malignant hyperthermia, susceptibility to, 1 (MHS1). Also called: RYR1-Related Malignant Hyperthermia Susceptibility; Malignant hyperthermia suceptibility 1; Anesthesia related hyperthermia; Malignant hyperpyrexia; Fulminating hyperpyrexia; Pharmacogenic myopathy. Identifiers: Orphanet 423, MedGen C2930980, MONDO:0007783, OMIM 145600.
Central core myopathy (CMYO1A). Also called: CONGENITAL MYOPATHY 1A, AUTOSOMAL DOMINANT, WITH SUSCEPTIBILITY TO MALIGNANT HYPERTHERMIA; Central core disease; Myopathy, central fibrillar. Identifiers: Orphanet 597, MedGen C5830701, MONDO:0007294, OMIM 117000.
King Denborough syndrome (KDS). Identifiers: MedGen C1840365, MONDO:0020485, OMIM 619542.

gnomAD v4.1: 3 of 1,613,904 alleles (0.00019%); highest among the groups gnomAD compares: Admixed American, 0.0017%; no homozygotes.

Submissions (3):

Labcorp Genetics (formerly Invitae), Labcorp
Classification: Uncertain significance for RYR1-related disorder. Last evaluated: 2024-03-17. Review status: criteria provided, single submitter. Criteria: Invitae Variant Classification Sherloc (09022015). Collection method: clinical testing. Allele origin: germline.
Comment: This sequence change replaces arginine, which is basic and polar, with leucine, which is neutral and non-polar, at codon 3119 of the RYR1 protein (p.Arg3119Leu). This variant is present in population databases (no rsID available, gnomAD 0.003%). This variant has not been reported in the literature in individuals affected with RYR1-related conditions. ClinVar contains an entry for this variant (Variation ID: 993848). Advanced modeling of protein sequence and biophysical properties (such as structural, functional, and spatial information, amino acid conservation, physicochemical variation, residue mobility, and thermodynamic stability) has been performed at Invitae for this missense variant, however the output from this modeling did not meet the statistical confidence thresholds required to predict the impact of this variant on RYR1 protein function. In summary, the available evidence is currently insufficient to determine the role of this variant in disease. Therefore, it has been classified as a Variant of Uncertain Significance.

Fulgent Genetics
Classification: Uncertain significance for Central core myopathy; Malignant hyperthermia, susceptibility to, 1; Congenital myopathy 4A, autosomal dominant; Congenital multicore myopathy with external ophthalmoplegia; King Denborough syndrome. Last evaluated: 2021-09-13. Review status: criteria provided, single submitter. Criteria: ACMG Guidelines, 2015. Collection method: clinical testing. Allele origin: unknown.

ARUP Laboratories, Molecular Genetics and Genomics, ARUP Laboratories
Classification: Uncertain significance. Last evaluated: 2019-12-31. Review status: criteria provided, single submitter. Criteria: ARUP Molecular Germline Variant Investigation Process. Collection method: clinical testing. Allele origin: germline.

NM_000540.3(RYR1):c.9356G>T (p.Arg3119Leu)

Gene: RYR1 (ryanodine receptor 1; plus strand). Cytogenetic location: 19q13.2.
Variant type: single nucleotide variant.
Coding change: c.9356G>T on transcript NM_000540.3 (MANE Select); coding-DNA position 9356, G replaced by T.
Protein change: p.Arg3119Leu; replaces arginine 3119 with leucine.
Molecular consequence: missense variant.
Genome position (GRCh38, 1-based): chr19:38,512,367, G>T. VCF-style: chr19-38512367-G-T. GRCh37 (hg19) VCF-style: chr19-39003007-G-T.
Other names: c.9356G>T, p.Arg3119Leu (NM_001042723.2); short protein forms R3119L.
Identifiers: ClinVar variation 993848 (VCV000993848.18), dbSNP rs193922833, ClinGen allele CA405687129.
Genomic context (GRCh38, chr19:38,512,367, plus strand): 5'-CCTCGGAGGACATCGAGAAGATGGTGGAGAACCTGCGGCTGGGCAAGGTGTCGCAGGCGC[G>T]CACCCAGGTGAAAGGCGTGGGCCAGAACCTCACCTACACCACTGTGGCACTGCTGCCGGT-3'
Protein context (NP_000531.2, residues 3109-3129): NLRLGKVSQA[Arg3119Leu]TQVKGVGQNL